The following is an entry in ClinVar:

ClinVar aggregate classification (germline): Uncertain significance. Review status: criteria provided, multiple submitters, no conflicts (2 of 4 stars). 2 submissions from 2 submitters: Uncertain significance (2). Last evaluated 2024-02-13.

Conditions:
Ataxia-telangiectasia syndrome (AT). Also called: Ataxia-telangiectasia, complementation group D; AT, COMPLEMENTATION GROUP C; Cerebello-oculocutaneous telangiectasia; Immunodeficiency with ataxia telangiectasia; Ataxia-telangiectasia, complementation group E; LOUIS-BAR SYNDROME. Identifiers: Orphanet 100, MedGen C0004135, MONDO:0008840, OMIM 208900.
Hereditary cancer-predisposing syndrome. Also called: Neoplastic Syndromes, Hereditary; Hereditary Cancer Syndrome; Tumor predisposition; Hereditary neoplastic syndrome. Identifiers: Orphanet 140162, MedGen C0027672, MeSH D009386, MONDO:0015356.

Submissions (2):

Ambry Genetics
Classification: Uncertain significance for Hereditary cancer-predisposing syndrome. Last evaluated: 2024-02-13. Review status: criteria provided, single submitter. Criteria: Ambry Variant Classification Scheme 2023. Collection method: clinical testing. Allele origin: germline.
Comment: The p.P862A variant (also known as c.2584C>G), located in coding exon 16 of the ATM gene, results from a C to G substitution at nucleotide position 2584. The proline at codon 862 is replaced by alanine, an amino acid with highly similar properties. This amino acid position is conserved. In addition, this alteration is predicted to be tolerated by in silico analysis. Based on the available evidence, the clinical significance of this alteration remains unclear.

Labcorp Genetics (formerly Invitae), Labcorp
Classification: Uncertain significance for Ataxia-telangiectasia syndrome. Last evaluated: 2021-05-22. Review status: criteria provided, single submitter. Criteria: Invitae Variant Classification Sherloc (09022015). Collection method: clinical testing. Allele origin: germline.
Comment: This sequence change replaces proline with alanine at codon 862 of the ATM protein (p.Pro862Ala). The proline residue is weakly conserved and there is a small physicochemical difference between proline and alanine. This variant is not present in population databases (ExAC no frequency). In summary, the available evidence is currently insufficient to determine the role of this variant in disease. Therefore, it has been classified as a Variant of Uncertain Significance. Advanced modeling of protein sequence and biophysical properties (such as structural, functional, and spatial information, amino acid conservation, physicochemical variation, residue mobility, and thermodynamic stability) performed at Invitae indicates that this missense variant is not expected to disrupt ATM protein function. This variant has not been reported in the literature in individuals with ATM-related conditions.

NM_000051.4(ATM):c.2584C>G (p.Pro862Ala)

Gene: ATM (ATM serine/threonine kinase; plus strand). Cytogenetic location: 11q22.3.
Variant type: single nucleotide variant.
Coding change: c.2584C>G on transcript NM_000051.4 (MANE Select); coding-DNA position 2584, C replaced by G.
Protein change: p.Pro862Ala; replaces proline 862 with alanine.
Molecular consequence: missense variant.
Genome position (GRCh38, 1-based): chr11:108,267,288, C>G. VCF-style: chr11-108267288-C-G. GRCh37 (hg19) VCF-style: chr11-108138015-C-G.
Other names: c.2584C>G, p.Pro862Ala (NM_001351834.2); c.2584C>G (NM_000051.3); short protein forms P862A.
Identifiers: ClinVar variation 1467251 (VCV001467251.9), dbSNP rs876660537, ClinGen allele CA382543972.